The following is an entry in ClinVar:

ClinVar aggregate classification (germline): Conflicting classifications of pathogenicity. Review status: criteria provided, conflicting classifications (1 of 4 stars). 6 submissions from 6 submitters: Uncertain significance (1); Benign (1); Likely benign (3). 1 of the submissions does not count toward it. Last evaluated 2025-07-31.

Conditions:
Familial thoracic aortic aneurysm and aortic dissection (TAAD). Also called: Thoracic aortic aneurysms and dissections. Identifiers: Orphanet 91387, MedGen C4707243, MONDO:0019625.
Hereditary cancer-predisposing syndrome. Also called: Neoplastic Syndromes, Hereditary; Tumor predisposition; Hereditary neoplastic syndrome; Hereditary Cancer Syndrome. Identifiers: Orphanet 140162, MedGen C0027672, MeSH D009386, MONDO:0015356.
Juvenile polyposis syndrome (JPS). Identifiers: Orphanet 2929, MedGen C0345893, MONDO:0017380, OMIM 174900.
Juvenile polyposis/hereditary hemorrhagic telangiectasia syndrome (JPHT). Also called: JP/HHT SYNDROME; JUVENILE POLYPOSIS WITH HEREDITARY HEMORRHAGIC TELANGIECTASIA; POLYPOSIS, GENERALIZED JUVENILE, WITH PULMONARY ARTERIOVENOUS MALFORMATION; TELANGIECTASIA, HEREDITARY HEMORRHAGIC, WITH JUVENILE POLYPOSIS COLI; Juvenile Polyposis Syndrome / Hereditary Hemorrhagic Telangiectasia (JPS/HHT). Identifiers: Orphanet 2929, MedGen C1832942, MONDO:0008278, OMIM 175050.

Allele frequency attached by ClinVar (database versions not stated): TOPMed below 0.00001.
gnomAD v4.1: 1 of 1,611,146 alleles (0.000062%); no homozygotes.

Submissions (6):

Labcorp Genetics (formerly Invitae), Labcorp
Classification: Likely benign for Juvenile polyposis syndrome. Last evaluated: 2025-07-31. Review status: criteria provided, single submitter. Criteria: Invitae Variant Classification Sherloc (09022015). Collection method: clinical testing. Allele origin: germline.

All of Us Research Program, National Institutes of Health
Classification: Likely benign for Juvenile polyposis/hereditary hemorrhagic telangiectasia syndrome. Last evaluated: 2024-05-14. Review status: criteria provided, single submitter. Criteria: ACMG Guidelines, 2015. Collection method: clinical testing. Allele origin: germline. Inheritance: Autosomal dominant inheritance. Observed: 1 variant allele, 1 heterozygote.
Comment: This study involves interpretation of variants in research participants for the purpose of population health screening. Participant phenotype was not available at the time of variant classification. Additional details can be found in publication PMID: 35346344, PMCID: PMC8962531

Myriad Genetics, Inc.
Classification: Benign for Juvenile polyposis/hereditary hemorrhagic telangiectasia syndrome. Last evaluated: 2023-04-10. Review status: criteria provided, single submitter. Criteria: Myriad Autosomal Dominant, Autosomal Recessive and X-Linked Classification Criteria (2023). Collection method: clinical testing. Allele origin: unknown.
Comment: This variant is considered benign. This variant is a silent/synonymous amino acid change and it is not expected to impact splicing.

Quest Diagnostics Nichols Institute San Juan Capistrano
Classification: Uncertain significance. Last evaluated: 2022-09-22. Review status: criteria provided, single submitter. Criteria: Quest Diagnostics criteria. Collection method: clinical testing. Allele origin: unknown.
Comment: To the best of our knowledge, the variant has not been reported in the published literature. It also has not been reported in large, multi-ethnic general populations. Analysis of this variant using software algorithms for the prediction of the effect of nucleotide changes on splicing yielded predictions that this variant does not affect SMAD4 mRNA splicing . Based on the available information, we are unable to determine the clinical significance of this variant.

Ambry Genetics
Classification: Likely benign for Hereditary cancer-predisposing syndrome; Familial thoracic aortic aneurysm and aortic dissection. Last evaluated: 2014-08-05. Review status: criteria provided, single submitter. Criteria: Ambry Variant Classification Scheme 2023. Collection method: clinical testing. Allele origin: germline.

Counsyl
Classification: Likely benign for Juvenile polyposis syndrome. Last evaluated: 2016-10-03. Review status: no assertion criteria provided. Collection method: clinical testing. Allele origin: unknown. Not counted in ClinVar's aggregate classification.

NM_005359.6(SMAD4):c.1248A>G (p.Arg416=)

Gene: SMAD4 (SMAD family member 4; plus strand). Cytogenetic location: 18q21.2.
Variant type: single nucleotide variant.
Coding change: c.1248A>G on transcript NM_005359.6 (MANE Select); coding-DNA position 1248, A replaced by G.
Protein change: p.Arg416=; no amino-acid change (arginine 416 retained).
Molecular consequence: synonymous variant.
Genome position (GRCh38, 1-based): chr18:51,067,127, A>G. VCF-style: chr18-51067127-A-G. GRCh37 (hg19) VCF-style: chr18-48593497-A-G.
Identifiers: ClinVar variation 185807 (VCV000185807.18), dbSNP rs786202472, ClinGen allele CA193006.